The following is an entry in ClinVar:

ClinVar aggregate classification (germline): Pathogenic (1 of 4 stars; one submission).

Conditions:
Fanconi anemia (FA). Also called: Fanconi's anemia. Identifiers: Orphanet 84, MedGen C0015625, MeSH D005199, MONDO:0019391.

Submission:

Labcorp Genetics (formerly Invitae), Labcorp
Classification: Pathogenic for Fanconi anemia. Last evaluated: 2023-09-08. Review status: criteria provided, single submitter. Criteria: Invitae Variant Classification Sherloc (09022015). Collection method: clinical testing. Allele origin: unknown.
Comment: This variant is a gross deletion of the genomic region encompassing exon(s) 12-17 of the FANCA gene. This deletion is out-of-frame, and is expected to create a premature termination codon and result in an absent or disrupted protein product. Loss-of-function variants in FANCA are known to be pathogenic (PMID: 19367192). This variant has not been reported in the literature in individuals affected with FANCA-related conditions. For these reasons, this variant has been classified as Pathogenic.

Literature cited by the submitters: PubMed 19367192.

NC_000016.9:g.(?_89849247)_(89858975_?)del

Gene: FANCA (FA complementation group A; minus strand). Cytogenetic location: 16q24.3.
Variant type: Deletion.
Identifiers: ClinVar variation 3243246 (VCV003243246.1).